The following is an entry in ClinVar:

NM_018975.4(TERF2IP):c.790G>T (p.Val264Phe)

Gene: TERF2IP (TERF2 interacting protein; plus strand). Cytogenetic location: 16q23.1.
Variant type: single nucleotide variant.
Coding change: c.790G>T on transcript NM_018975.4 (MANE Select); coding-DNA position 790, G replaced by T.
Protein change: p.Val264Phe; replaces valine 264 with phenylalanine.
Molecular consequence: missense variant. On other transcripts: non-coding transcript variant (1).
Genome position (GRCh38, 1-based): chr16:75,654,392, G>T. VCF-style: chr16-75654392-G-T. GRCh37 (hg19) VCF-style: chr16-75688290-G-T.
Other names: short protein forms V264F.
Identifiers: ClinVar variation 1761187 (VCV001761187.3), dbSNP rs776321445, ClinGen allele CA8178083.

ClinVar aggregate classification (germline): Uncertain significance (1 of 4 stars; one submission).

gnomAD v4.1: 3 of 1,612,508 alleles (0.00019%); highest among the groups gnomAD compares: South Asian, 0.0011%; no homozygotes.

Submission:

Ambry Genetics
Classification: Uncertain significance. Last evaluated: 2024-07-21. Review status: criteria provided, single submitter. Criteria: Ambry Variant Classification Scheme 2023. Collection method: clinical testing. Allele origin: germline.
Comment: The p.V264F variant (also known as c.790G>T), located in coding exon 2 of the TERF2IP gene, results from a G to T substitution at nucleotide position 790. The valine at codon 264 is replaced by phenylalanine, an amino acid with highly similar properties. This amino acid position is conserved. In addition, this alteration is predicted to be tolerated by in silico analysis. Since supporting evidence is limited at this time, the clinical significance of this alteration remains unclear.